The following is an entry in ClinVar:

ClinVar aggregate classification (germline): Uncertain significance. Review status: criteria provided, multiple submitters, no conflicts (2 of 4 stars). 3 submissions from 3 submitters: Uncertain significance (3). Last evaluated 2025-07-17.

Allele frequency attached by ClinVar (database versions not stated): ExAC 0.00003; gnomAD 0.00002; gnomAD exomes 0.00005; ESP Exome Variant Server 0.00015.
gnomAD v4.1: 80 of 1,608,308 alleles (0.005%); highest among the groups gnomAD compares: Non-Finnish European, 0.0064%; no homozygotes.

Submissions (3):

GeneDx
Classification: Uncertain significance. Last evaluated: 2025-07-17. Review status: criteria provided, single submitter. Criteria: GeneDx Variant Classification Process June 2021. Collection method: clinical testing. Allele origin: germline.
Comment: Not observed at significant frequency in large population cohorts (gnomAD); In silico analysis suggests that this missense variant does not alter protein structure/function; Has not been previously published as pathogenic or benign to our knowledge

Ambry Genetics
Classification: Uncertain significance. Last evaluated: 2023-08-04. Review status: criteria provided, single submitter. Criteria: Ambry Variant Classification Scheme 2023. Collection method: clinical testing. Allele origin: germline.

Labcorp Genetics (formerly Invitae), Labcorp
Classification: Uncertain significance. Last evaluated: 2022-06-04. Review status: criteria provided, single submitter. Criteria: Invitae Variant Classification Sherloc (09022015). Collection method: clinical testing. Allele origin: germline.
Comment: This sequence change replaces lysine, which is basic and polar, with arginine, which is basic and polar, at codon 1039 of the LARS protein (p.Lys1039Arg). This variant is present in population databases (rs373492669, gnomAD 0.006%). In summary, the available evidence is currently insufficient to determine the role of this variant in disease. Therefore, it has been classified as a Variant of Uncertain Significance. Algorithms developed to predict the effect of missense changes on protein structure and function are either unavailable or do not agree on the potential impact of this missense change (SIFT: "Not Available"; PolyPhen-2: "Benign"; Align-GVGD: "Not Available"). This variant has not been reported in the literature in individuals affected with LARS-related conditions.

NM_020117.11(LARS1):c.3116A>G (p.Lys1039Arg)

Gene: LARS1 (leucyl-tRNA synthetase 1; minus strand). Cytogenetic location: 5q32.
Variant type: single nucleotide variant.
Coding change: c.3116A>G on transcript NM_020117.11 (MANE Select); coding-DNA position 3116, A replaced by G.
Protein change: p.Lys1039Arg; replaces lysine 1039 with arginine.
Molecular consequence: missense variant.
Genome position (GRCh38, 1-based): chr5:146,122,568, T>C on the plus strand (A>G on the coding strand, the complement: LARS1 is on the minus strand). VCF-style: chr5-146122568-T-C. GRCh37 (hg19) VCF-style: chr5-145502131-T-C.
Other names: c.2978A>G, p.Lys993Arg (NM_001317964.2); c.2954A>G, p.Lys985Arg (NM_001317965.2); c.3035A>G, p.Lys1012Arg (NM_016460.4); short protein forms K1012R, K1039R, K985R, K993R.
Identifiers: ClinVar variation 1707961 (VCV001707961.10), dbSNP rs373492669, ClinGen allele CA3489113.